The following is an entry in ClinVar:

NM_181672.3(OGT):c.352C>T (p.Leu118Phe)

Gene: OGT (O-linked N-acetylglucosamine (GlcNAc) transferase; plus strand). Cytogenetic location: Xq13.1.
Variant type: single nucleotide variant.
Coding change: c.352C>T on transcript NM_181672.3 (MANE Select); coding-DNA position 352, C replaced by T.
Protein change: p.Leu118Phe; replaces leucine 118 with phenylalanine.
Molecular consequence: missense variant.
Genome position (GRCh38, 1-based): chrX:71,537,962, C>T. VCF-style: chrX-71537962-C-T. GRCh37 (hg19) VCF-style: chrX-70757812-C-T.
Other names: c.322C>T, p.Leu108Phe (NM_181673.3); short protein forms L108F, L118F.
Identifiers: ClinVar variation 2506734 (VCV002506734.1), dbSNP rs2522818439, ClinGen allele CA413536679.
Genomic context (GRCh38, chrX:71,537,962, plus strand): 5'-GTGTACAAGGAAAGAGGGCAGTTGCAGGAGGCAATTGAGCATTATCGACATGCATTGCGT[C>T]TCAAACCTGATTTCATCGATGGTTATATTAACCTGGCAGCCGCCTTGGTAGCAGCGGGTG-3'
Protein context (NP_858058.1, residues 108-128): AIEHYRHALR[Leu118Phe]KPDFIDGYIN

ClinVar aggregate classification (germline): Uncertain significance (1 of 4 stars; one submission).

Submission:

GeneDx
Classification: Uncertain significance. Last evaluated: 2022-12-23. Review status: criteria provided, single submitter. Criteria: GeneDx Variant Classification Process June 2021. Collection method: clinical testing. Allele origin: germline. Affected: yes.
Comment: Not observed at significant frequency in large population cohorts (gnomAD); In silico analysis supports that this missense variant has a deleterious effect on protein structure/function; Has not been previously published as pathogenic or benign to our knowledge